The following is an entry in ClinVar:

NM_002677.5(PMP2):c.348+5G>C

Gene: PMP2 (peripheral myelin protein 2; minus strand). Cytogenetic location: 8q21.13.
Variant type: single nucleotide variant.
Coding change: c.348+5G>C on transcript NM_002677.5 (MANE Select); 5 bases into the intron after coding-DNA position 348, G replaced by C.
Molecular consequence: intron variant.
Genome position (GRCh38, 1-based): chr8:81,444,495, C>G on the plus strand (G>C on the coding strand, the complement: PMP2 is on the minus strand). VCF-style: chr8-81444495-C-G. GRCh37 (hg19) VCF-style: chr8-82356730-C-G.
Other names: c.175+5G>C (NM_001348381.2).
Identifiers: ClinVar variation 3011847 (VCV003011847.3), dbSNP rs755482654, ClinGen allele CA4791913.

ClinVar aggregate classification (germline): Uncertain significance (1 of 4 stars; one submission).

Allele frequency attached by ClinVar (database versions not stated): gnomAD exomes below 0.00001; ExAC 0.00001.
gnomAD v4.1: 2 of 1,570,652 alleles (0.00013%); highest among the groups gnomAD compares: Non-Finnish European, 0.00018%; no homozygotes.

Submission:

Labcorp Genetics (formerly Invitae), Labcorp
Classification: Uncertain significance. Last evaluated: 2023-08-17. Review status: criteria provided, single submitter. Criteria: Invitae Variant Classification Sherloc (09022015). Collection method: clinical testing. Allele origin: germline.
Comment: This variant has not been reported in the literature in individuals affected with PMP2-related conditions. In summary, the available evidence is currently insufficient to determine the role of this variant in disease. Therefore, it has been classified as a Variant of Uncertain Significance. Variants that disrupt the consensus splice site are a relatively common cause of aberrant splicing (PMID: 17576681, 9536098). Algorithms developed to predict the effect of sequence changes on RNA splicing suggest that this variant may disrupt the consensus splice site. This variant is present in population databases (rs755482654, gnomAD 0.0009%). This sequence change falls in intron 3 of the PMP2 gene. It does not directly change the encoded amino acid sequence of the PMP2 protein. It affects a nucleotide within the consensus splice site.

Literature cited by the submitters: PubMed 17576681; PubMed 9536098.